The following is an entry in ClinVar:

NM_145038.5(DRC1):c.1927C>T (p.Arg643Trp)

Gene: DRC1 (dynein regulatory complex subunit 1; plus strand). Cytogenetic location: 2p23.3.
Variant type: single nucleotide variant.
Coding change: c.1927C>T on transcript NM_145038.5 (MANE Select); coding-DNA position 1927, C replaced by T.
Protein change: p.Arg643Trp; replaces arginine 643 with tryptophan.
Molecular consequence: missense variant.
Genome position (GRCh38, 1-based): chr2:26,454,654, C>T. VCF-style: chr2-26454654-C-T. GRCh37 (hg19) VCF-style: chr2-26677522-C-T.
Other names: short protein forms R643W.
Identifiers: ClinVar variation 3710053 (VCV003710053.2).

ClinVar aggregate classification (germline): Uncertain significance (1 of 4 stars; one submission).

Conditions:
Primary ciliary dyskinesia. Also called: Ciliary dyskinesia. Identifiers: Orphanet 244, MedGen C0008780, MONDO:0016575, HP:0012265.

gnomAD v4.1: 8 of 1,613,886 alleles (0.0005%); highest among the groups gnomAD compares: South Asian, 0.0011%; no homozygotes.

Submission:

Labcorp Genetics (formerly Invitae), Labcorp
Classification: Uncertain significance for Primary ciliary dyskinesia. Last evaluated: 2024-09-11. Review status: criteria provided, single submitter. Criteria: Invitae Variant Classification Sherloc (09022015). Collection method: clinical testing. Allele origin: germline.
Comment: This sequence change replaces arginine, which is basic and polar, with tryptophan, which is neutral and slightly polar, at codon 643 of the DRC1 protein (p.Arg643Trp). This variant is not present in population databases (gnomAD no frequency). This variant has not been reported in the literature in individuals affected with DRC1-related conditions. An algorithm developed to predict the effect of missense changes on protein structure and function outputs the following: PolyPhen-2: "Benign". The tryptophan amino acid residue is found in multiple mammalian species, which suggests that this missense change does not adversely affect protein function. In summary, the available evidence is currently insufficient to determine the role of this variant in disease. Therefore, it has been classified as a Variant of Uncertain Significance.